The following is an entry in ClinVar:

NM_000712.4(BLVRA):c.314C>T (p.Ala105Val)

Gene: BLVRA (biliverdin reductase A; plus strand). Cytogenetic location: 7p13.
Variant type: single nucleotide variant.
Coding change: c.314C>T on transcript NM_000712.4 (MANE Select); coding-DNA position 314, C replaced by T.
Protein change: p.Ala105Val; replaces alanine 105 with valine.
Molecular consequence: missense variant.
Genome position (GRCh38, 1-based): chr7:43,792,774, C>T. VCF-style: chr7-43792774-C-T. GRCh37 (hg19) VCF-style: chr7-43832373-C-T.
Other names: c.314C>T, p.Ala105Val (NM_001253823.2); c.314C>T (NM_000712.3); short protein forms A105V.
Identifiers: ClinVar variation 2043603 (VCV002043603.5), dbSNP rs142897365, ClinGen allele CA4234070.

ClinVar aggregate classification (germline): Benign. Review status: criteria provided, multiple submitters, no conflicts (2 of 4 stars). 2 submissions from 2 submitters: Benign (2). Last evaluated 2026-02-05.

Conditions:
BLVRA-related disorder. Also called: BLVRA-related condition.

Allele frequency attached by ClinVar (database versions not stated): gnomAD exomes 0.00034; ExAC 0.00084; gnomAD 0.00250; ESP Exome Variant Server 0.00269; TOPMed 0.00298; 1000 Genomes Project 0.00300; 1000 Genomes Project 30x 0.00344.
gnomAD v4.1: 898 of 1,614,170 alleles (0.056%); highest among the groups gnomAD compares: African/African-American, 0.98%; 2 homozygotes.

Submissions (2):

PreventionGenetics, part of Exact Sciences
Classification: Benign for BLVRA-related condition. Last evaluated: 2026-02-05. Review status: criteria provided, single submitter. Criteria: ACMG Guidelines, 2015. Collection method: clinical testing. Allele origin: germline.
Comment: This variant is classified as benign based on ACMG/AMP sequence variant interpretation guidelines (Richards et al. 2015 PMID: 25741868, with internal and published modifications).

Labcorp Genetics (formerly Invitae), Labcorp
Classification: Benign. Last evaluated: 2026-01-08. Review status: criteria provided, single submitter. Criteria: Invitae Variant Classification Sherloc (09022015). Collection method: clinical testing. Allele origin: germline.